The following is an entry in ClinVar:

ClinVar aggregate classification (germline): Likely benign. Review status: criteria provided, multiple submitters, no conflicts (2 of 4 stars). 4 submissions from 4 submitters: Likely benign (4). Last evaluated 2026-07-01.

Conditions:
Cardiovascular phenotype. Identifiers: MedGen CN230736.

Allele frequency attached by ClinVar (database versions not stated): gnomAD 0.00001; gnomAD exomes 0.00001; TOPMed 0.00002; ExAC 0.00003.
gnomAD v4.1: 19 of 1,613,374 alleles (0.0012%); highest among the groups gnomAD compares: Middle Eastern, 0.016%; no homozygotes.

Submissions (4):

CeGaT Center for Human Genetics Tuebingen
Classification: Likely benign. Last evaluated: 2026-07-01. Review status: criteria provided, single submitter. Criteria: CeGaT Center For Human Genetics Tuebingen Variant Classification Criteria Version 2. Collection method: clinical testing. Allele origin: germline. Affected: yes. Observed: 1 variant allele.
Comment: TNXB: BP4, BP7

Labcorp Genetics (formerly Invitae), Labcorp
Classification: Likely benign. Last evaluated: 2025-10-07. Review status: criteria provided, single submitter. Criteria: Invitae Variant Classification Sherloc (09022015). Collection method: clinical testing. Allele origin: germline.

Women's Health and Genetics/Laboratory Corporation of America, LabCorp
Classification: Likely benign. Last evaluated: 2025-06-16. Review status: criteria provided, single submitter. Criteria: LabCorp Variant Classification Summary - May 2015. Collection method: clinical testing. Allele origin: germline.

Ambry Genetics
Classification: Likely benign for Cardiovascular phenotype. Last evaluated: 2021-04-08. Review status: criteria provided, single submitter. Criteria: Ambry Variant Classification Scheme 2023. Collection method: clinical testing. Allele origin: germline.

NM_001365276.2(TNXB):c.6978C>T (p.Pro2326=)

Gene: TNXB (tenascin XB; minus strand). Cytogenetic location: 6p21.33.
Variant type: single nucleotide variant.
Coding change: c.6978C>T on transcript NM_001365276.2 (MANE Select); coding-DNA position 6978, C replaced by T.
Protein change: p.Pro2326=; no amino-acid change (proline 2326 retained).
Molecular consequence: synonymous variant.
Genome position (GRCh38, 1-based): chr6:32,062,347, G>A on the plus strand (C>T on the coding strand, the complement: TNXB is on the minus strand). VCF-style: chr6-32062347-G-A. GRCh37 (hg19) VCF-style: chr6-32030124-G-A.
Other names: c.6978C>T, p.Pro2326= (NM_019105.8).
Identifiers: ClinVar variation 1756405 (VCV001756405.5), dbSNP rs752218760, ClinGen allele CA3734278.